The following is an entry in ClinVar:

ClinVar aggregate classification (germline): Benign/Likely benign. Review status: criteria provided, multiple submitters, no conflicts (2 of 4 stars). 7 submissions from 7 submitters: Benign (4); Likely benign (2). 1 of the submissions does not count toward it. Last evaluated 2026-06-03.

Conditions:
GLI2-related disorder. Also called: GLI2-related disorders; GLI2-related condition.
Holoprosencephaly 9 (HPE9). Also called: PITUITARY ANOMALIES WITH HOLOPROSENCEPHALY-LIKE FEATURES; HOLOPROSENCEPHALY WITH MICROPHTHALMIA AND FIRST BRANCHIAL ARCH ANOMALIES. Identifiers: Orphanet 2162, MedGen C1835819, MONDO:0012563, OMIM 610829.
Postaxial polydactyly-anterior pituitary anomalies-facial dysmorphism syndrome. Also called: Culler-Jones syndrome. Identifiers: Orphanet 420584, MedGen C4014479, MONDO:0014369, OMIM 615849.

Allele frequency attached by ClinVar (database versions not stated): gnomAD exomes 0.00023 and 0.00060; ExAC 0.00064; TOPMed 0.00204; 1000 Genomes Project 30x 0.00078; 1000 Genomes Project 0.00080; gnomAD 0.00164 and 0.00181; ESP Exome Variant Server 0.00178.
gnomAD v4.1: 624 of 1,613,086 alleles (0.039%); highest among the groups gnomAD compares: African/African-American, 0.55%; no homozygotes.

Submissions (7):

Women's Health and Genetics/Laboratory Corporation of America, LabCorp
Classification: Likely benign. Last evaluated: 2026-06-03. Review status: criteria provided, single submitter. Criteria: LabCorp Variant Classification Summary - May 2015. Collection method: clinical testing. Allele origin: germline.
Comment: Variant summary: GLI2 c.3528G>T (p.Gln1176His) results in a non-conservative amino acid change in the encoded protein sequence. Algorithms developed to predict the effect of missense changes on protein structure and function are either unavailable or do not agree on the potential impact of this missense change. The variant allele was found at a frequency of 0.0006 in 246854 control chromosomes, predominantly at a frequency of 0.0063 within the African or African-American subpopulation in the gnomAD database. The observed variant frequency within African or African-American control individuals in the gnomAD database exceeds the estimated maximal expected allele frequency for disease-causing variants in GLI2. To our knowledge, no occurrence of c.3528G>T in individuals affected with GLI2-related conditions and no experimental evidence demonstrating its impact on protein function have been reported. ClinVar contains an entry for this variant (Variation ID: 596159). Based on the evidence outlined above, the variant was classified as likely benign.

Labcorp Genetics (formerly Invitae), Labcorp
Classification: Benign for Postaxial polydactyly-anterior pituitary anomalies-facial dysmorphism syndrome; Holoprosencephaly 9. Last evaluated: 2026-01-08. Review status: criteria provided, single submitter. Criteria: Invitae Variant Classification Sherloc (09022015). Collection method: clinical testing. Allele origin: germline.

Blueprint Genetics
Classification: Likely benign. Last evaluated: 2024-11-06. Review status: criteria provided, single submitter. Criteria: ACMG Guidelines, 2015. Collection method: clinical testing. Allele origin: germline.

GeneDx
Classification: Benign. Last evaluated: 2020-10-01. Review status: criteria provided, single submitter. Criteria: GeneDx Variant Classification Process June 2021. Collection method: clinical testing. Allele origin: germline. Affected: yes.
Comment: Has not been previously published as pathogenic or benign to our knowledge

Eurofins Ntd Llc (ga)
Classification: Benign. Last evaluated: 2018-03-05. Review status: criteria provided, single submitter. Criteria: EGL ClinVar v180209 classification definitions. Collection method: clinical testing. Allele origin: germline. Observed: 1 variant allele, 1 heterozygote.

Breakthrough Genomics
Classification: Benign. Review status: criteria provided, single submitter. Criteria: ACMG Guidelines, 2015. Collection method: not provided. Allele origin: germline. Inheritance: Autosomal dominant inheritance. Affected: yes.

PreventionGenetics, part of Exact Sciences
Classification: Benign for GLI2-related condition. Last evaluated: 2023-05-26. Review status: no assertion criteria provided. Collection method: clinical testing. Allele origin: germline. Not counted in ClinVar's aggregate classification.
Comment: This variant is classified as benign based on ACMG/AMP sequence variant interpretation guidelines (Richards et al. 2015 PMID: 25741868, with internal and published modifications).

NM_001374353.1(GLI2):c.3477G>T (p.Gln1159His)

Gene: GLI2 (GLI family zinc finger 2; plus strand). Cytogenetic location: 2q14.2.
Variant type: single nucleotide variant.
Coding change: c.3477G>T on transcript NM_001374353.1 (MANE Select); coding-DNA position 3477, G replaced by T.
Protein change: p.Gln1159His; replaces glutamine 1159 with histidine.
Molecular consequence: missense variant.
Genome position (GRCh38, 1-based): chr2:120,989,442, G>T. VCF-style: chr2-120989442-G-T. GRCh37 (hg19) VCF-style: chr2-121747018-G-T.
Other names: c.3528G>T, p.Gln1176His (NM_001371271.1, NM_005270.5); c.3102G>T, p.Gln1034His (NM_001374354.1); short protein forms Q1176H, Q1159H, Q1034H.
Identifiers: ClinVar variation 596159 (VCV000596159.23), dbSNP rs139686081, ClinGen allele CA1852411.